The following is an entry in ClinVar:

ClinVar aggregate classification (germline): Uncertain significance (1 of 4 stars; one submission).

Conditions:
CFAP52-related disorder. Also called: CFAP52-related condition.

Submission:

PreventionGenetics, part of Exact Sciences
Classification: Uncertain significance for CFAP52-related condition. Last evaluated: 2023-07-23. Review status: criteria provided, single submitter. Criteria: ACMG Guidelines, 2015. Collection method: clinical testing. Allele origin: germline.
Comment: The CFAP52 c.3G>A variant is predicted to disrupt the translation initiation site (Start Loss). To our knowledge, this variant, or other start loss variants, have not been reported in the literature or in a large population database, indicating this variant is rare. Although we suspect that this variant may be pathogenic, at this time, the clinical significance of this variant is uncertain due to the absence of conclusive functional and genetic evidence.

NM_145054.5(CFAP52):c.3G>A (p.Met1Ile)

Gene: CFAP52 (cilia and flagella associated protein 52; plus strand). Cytogenetic location: 17p13.1.
Variant type: single nucleotide variant.
Coding change: c.3G>A on transcript NM_145054.5 (MANE Select); coding-DNA position 3, G replaced by A.
Protein change: p.Met1Ile; changes the start codon (methionine 1).
Molecular consequence: missense variant, initiator codon variant.
Genome position (GRCh38, 1-based): chr17:9,576,698, G>A. VCF-style: chr17-9576698-G-A. GRCh37 (hg19) VCF-style: chr17-9480015-G-A.
Other names: c.3G>A, p.Met1Ile (NM_001037306.1, NM_001080556.2); short protein forms M1I.
Identifiers: ClinVar variation 2629070 (VCV002629070.1), dbSNP rs2508161198, ClinGen allele CA398070066.